The following is an entry in ClinVar:

NC_000005.9:g.(?_133533463)_(133541842_?)dup

Gene: PPP2CA (protein phosphatase 2 catalytic subunit alpha; minus strand). Cytogenetic location: 5q31.1.
Variant type: Duplication.
Identifiers: ClinVar variation 3246505 (VCV003246505.1).

ClinVar aggregate classification (germline): Uncertain significance (1 of 4 stars; one submission).

Submission:

Labcorp Genetics (formerly Invitae), Labcorp
Classification: Uncertain significance. Last evaluated: 2023-09-12. Review status: criteria provided, single submitter. Criteria: Invitae Variant Classification Sherloc (09022015). Collection method: clinical testing. Allele origin: unknown.
Comment: In summary, the available evidence is currently insufficient to determine the role of this variant in disease. Therefore, it has been classified as a Variant of Uncertain Significance. This variant has not been reported in the literature in individuals affected with PPP2CA-related conditions. This variant results in a copy number gain of the genomic region encompassing exon(s) 2-7 of the PPP2CA gene. This region includes the termination codon of the gene. This copy number gain extends beyond the assayed region for this gene and therefore may encompass additional genes. As the precise location of this event is unknown, it may be in tandem or it may be located elsewhere in the genome.